The following is an entry in ClinVar:

NM_052867.4(NALCN):c.4975G>C (p.Asp1659His)

Genes: NALCN (sodium leak channel, non-selective; minus strand), NALCN-AS1 (NALCN antisense RNA 1; plus strand). Cytogenetic location: 13q32.3.
Variant type: single nucleotide variant.
Coding change: c.4975G>C on transcript NM_052867.4 (MANE Select); coding-DNA position 4975, G replaced by C.
Protein change: p.Asp1659His; replaces aspartic acid 1659 with histidine.
Molecular consequence: missense variant. On other transcripts: non-coding transcript variant (1).
Genome position (GRCh38, 1-based): chr13:101,057,987, C>G on the plus strand (G>C on the coding strand, the complement: NALCN is on the minus strand). VCF-style: chr13-101057987-C-G. GRCh37 (hg19) VCF-style: chr13-101710339-C-G.
Other names: c.5062G>C, p.Asp1688His (NM_001350748.2); c.4975G>C, p.Asp1659His (NM_001350749.2); c.4888G>C, p.Asp1630His (NM_001350750.2, NM_001350751.2); short protein forms D1630H, D1659H, D1688H.
Identifiers: ClinVar variation 1970995 (VCV001970995.5), dbSNP rs566302048, ClinGen allele CA388643818.

ClinVar aggregate classification (germline): Uncertain significance (1 of 4 stars; one submission).

Submission:

Labcorp Genetics (formerly Invitae), Labcorp
Classification: Uncertain significance. Last evaluated: 2022-07-15. Review status: criteria provided, single submitter. Criteria: Invitae Variant Classification Sherloc (09022015). Collection method: clinical testing. Allele origin: germline.
Comment: Advanced modeling of protein sequence and biophysical properties (such as structural, functional, and spatial information, amino acid conservation, physicochemical variation, residue mobility, and thermodynamic stability) performed at Invitae indicates that this missense variant is not expected to disrupt NALCN protein function. In summary, the available evidence is currently insufficient to determine the role of this variant in disease. Therefore, it has been classified as a Variant of Uncertain Significance. This variant has not been reported in the literature in individuals affected with NALCN-related conditions. This variant is not present in population databases (gnomAD no frequency). This sequence change replaces aspartic acid, which is acidic and polar, with histidine, which is basic and polar, at codon 1659 of the NALCN protein (p.Asp1659His).